The following is an entry in ClinVar:

ClinVar aggregate classification (germline): Likely benign. Review status: criteria provided, multiple submitters, no conflicts (2 of 4 stars). 4 submissions from 4 submitters: Likely benign (4). Last evaluated 2026-01-26.

Conditions:
Hereditary cancer-predisposing syndrome. Also called: Tumor predisposition; Hereditary neoplastic syndrome; Neoplastic Syndromes, Hereditary; Hereditary Cancer Syndrome. Identifiers: Orphanet 140162, MedGen C0027672, MeSH D009386, MONDO:0015356.
Hereditary nonpolyposis colorectal neoplasms. Identifiers: MedGen C0009405, MeSH D003123.
Lynch syndrome 4 (LYNCH4). Also called: Colorectal cancer, hereditary nonpolyposis, type 4; Hereditary non-polyposis colorectal cancer, type 4. Identifiers: Orphanet 144, MedGen C1838333, MONDO:0013699, OMIM 614337. Disease mechanism: loss of function.

Allele frequency attached by ClinVar (database versions not stated): TOPMed below 0.00001; gnomAD exomes 0.00001 and 0.00002; ExAC 0.00002.
gnomAD v4.1: 5 of 1,580,814 alleles (0.00032%); highest among the groups gnomAD compares: East Asian, 0.011%; no homozygotes.

Submissions (4):

Labcorp Genetics (formerly Invitae), Labcorp
Classification: Likely benign for Hereditary nonpolyposis colorectal neoplasms. Last evaluated: 2026-01-26. Review status: criteria provided, single submitter. Criteria: Invitae Variant Classification Sherloc (09022015). Collection method: clinical testing. Allele origin: germline.

Myriad Genetics, Inc.
Classification: Likely benign for Lynch syndrome 4. Last evaluated: 2025-01-27. Review status: criteria provided, single submitter. Criteria: Myriad Autosomal Dominant, Autosomal Recessive and X-Linked Classification Criteria (2023). Collection method: clinical testing. Allele origin: unknown.
Comment: This variant is considered likely benign. This variant is intronic and is not expected to impact mRNA splicing.

GeneDx
Classification: Likely benign. Last evaluated: 2017-04-26. Review status: criteria provided, single submitter. Criteria: GeneDx Variant Classification (06012015). Collection method: clinical testing. Allele origin: germline. Affected: yes.
Comment: This variant is considered likely benign or benign based on one or more of the following criteria: it is a conservative change, it occurs at a poorly conserved position in the protein, it is predicted to be benign by multiple in silico algorithms, and/or has population frequency not consistent with disease.

Color Diagnostics, LLC DBA Color Health
Classification: Likely benign for Hereditary cancer-predisposing syndrome. Last evaluated: 2017-01-12. Review status: criteria provided, single submitter. Criteria: ACMG Guidelines, 2015. Collection method: clinical testing. Allele origin: germline.

NM_000535.7(PMS2):c.537+9A>G

Gene: PMS2 (PMS1 homolog 2, mismatch repair system component; minus strand). Cytogenetic location: 7p22.1.
Variant type: single nucleotide variant.
Coding change: c.537+9A>G on transcript NM_000535.7 (MANE Select); 9 bases into the intron after coding-DNA position 537, A replaced by G.
Molecular consequence: intron variant.
Genome position (GRCh38, 1-based): chr7:6,002,444, T>C on the plus strand (A>G on the coding strand, the complement: PMS2 is on the minus strand). VCF-style: chr7-6002444-T-C. GRCh37 (hg19) VCF-style: chr7-6042075-T-C.
Other names: c.219+9A>G (NM_001322008.2, NM_001322007.2); c.132+9A>G (NM_001322010.2, NM_001322004.2, NM_001322013.2 and 3 more transcripts); c.-348+9A>G (NM_001322012.2, NM_001322011.2); c.228+9A>G (NM_001322015.2); c.537+9A>G (NM_001322006.2, NM_001322014.2).
Identifiers: ClinVar variation 381084 (VCV000381084.15), dbSNP rs759013264, ClinGen allele CA050186.